The following is an entry in ClinVar:

NM_145870.3(GSTZ1):c.295G>A (p.Val99Met)

Gene: GSTZ1 (glutathione S-transferase zeta 1; plus strand). Cytogenetic location: 14q24.3.
Variant type: single nucleotide variant.
Coding change: c.295G>A on transcript NM_145870.3 (MANE Select); coding-DNA position 295, G replaced by A.
Protein change: p.Val99Met; replaces valine 99 with methionine.
Molecular consequence: missense variant. On other transcripts: intron variant (1).
Genome position (GRCh38, 1-based): chr14:77,327,990, G>A. VCF-style: chr14-77327990-G-A. GRCh37 (hg19) VCF-style: chr14-77794333-G-A.
Other names: GSTZ1, VAL99MET (140540096); c.130G>A, p.Val44Met (NM_001312660.2); c.298G>A, p.Val100Met (NM_001363703.2); c.216+438G>A (NM_145871.3); short protein forms V99M, V100M, V44M.
Identifiers: ClinVar variation 431044 (VCV000431044.34), dbSNP rs140540096, ClinGen allele CA7286517.

ClinVar aggregate classification (germline): Likely pathogenic. Review status: criteria provided, multiple submitters, no conflicts (2 of 4 stars). 3 submissions from 3 submitters: Likely pathogenic (2). 1 of the submissions does not count toward it. Last evaluated 2025-11-24.

Conditions:
GSTZ1-related disorder. Also called: GSTZ1-related condition.
Maleylacetoacetate isomerase deficiency. Also called: MAAI DEFICIENCY; HYPERSUCCINYLACETONEMIA, MILD; BENIGN HYPERSUCCINYLACETONEMIA. Identifiers: MedGen C1291607, MONDO:0060527, OMIM 617596.

Allele frequency attached by ClinVar (database versions not stated): 1000 Genomes Project 30x 0.00016; 1000 Genomes Project 0.00020; TOPMed 0.00046; gnomAD 0.00049 and 0.00051; gnomAD exomes 0.00050; ExAC 0.00053; ESP Exome Variant Server 0.00108.

Submissions (3):

PreventionGenetics, part of Exact Sciences
Classification: Likely pathogenic for GSTZ1-related condition. Last evaluated: 2025-11-24. Review status: criteria provided, single submitter. Criteria: ACMG Guidelines, 2015. Collection method: clinical testing. Allele origin: germline.
Comment: The GSTZ1 c.295G>A variant is predicted to result in the amino acid substitution p.Val99Met. This variant has been reported in both the heterozygous state and homozygous state in newborns with elevated succinylacetone in the blood (Yang et al. 2016. PubMed ID: 27876694; van Vliet et al. 2023. PubMed ID: 37545091). In a bacterial expression assay, the p.Val99Met substitution was reported to mildly reduce the activity of the maleylacetoacetate isomerase enzyme (Yang et al. 2016. PubMed ID: 27876694). This variant is reported in 0.10% of alleles in individuals of European (non-Finnish) descent in gnomAD, including one homozygous individual. This variant is interpreted as likely pathogenic.

CeGaT Center for Human Genetics Tuebingen
Classification: Likely pathogenic. Last evaluated: 2022-05-01. Review status: criteria provided, single submitter. Criteria: CeGaT Center For Human Genetics Tuebingen Variant Classification Criteria Version 2. Collection method: clinical testing. Allele origin: germline. Affected: yes. Observed: 1 variant allele.
Comment: GSTZ1: PM2, PP4:Moderate, PM3:Supporting, PS3:Supporting

OMIM
Classification: Affects for MALEYLACETOACETATE ISOMERASE DEFICIENCY. Last evaluated: 2025-03-05. Review status: no assertion criteria provided. Collection method: literature only. Allele origin: germline. Not counted in ClinVar's aggregate classification.

Literature cited by the submitters: PubMed 27876694 (cited by OMIM).